The following is an entry in ClinVar:

NM_005909.5(MAP1B):c.6310C>A (p.Pro2104Thr)

Gene: MAP1B (microtubule associated protein 1B; plus strand). Cytogenetic location: 5q13.2.
Variant type: single nucleotide variant.
Coding change: c.6310C>A on transcript NM_005909.5 (MANE Select); coding-DNA position 6310, C replaced by A.
Protein change: p.Pro2104Thr; replaces proline 2104 with threonine.
Molecular consequence: missense variant.
Genome position (GRCh38, 1-based): chr5:72,199,665, C>A. VCF-style: chr5-72199665-C-A. GRCh37 (hg19) VCF-style: chr5-71495492-C-A.
Other names: c.5932C>A, p.Pro1978Thr (NM_001324255.2); short protein forms P2104T, P1978T.
Identifiers: ClinVar variation 5009408 (VCV005009408.1).
Genomic context (GRCh38, chr5:72,199,665, plus strand): 5'-CTCGTGTCCTCTTGTGAATACAAGCACCCCAAGACAGAGCTTTCACCCTCTTTCATTAAT[C>A]CCAATCCTCTTGAGTGGTTTGCCAGTGAAGAACCCACTGAAGAATCTGAAAAGCCCCTCA-3'
Protein context (NP_005900.2, residues 2094-2114): KTELSPSFIN[Pro2104Thr]NPLEWFASEE

ClinVar aggregate classification (germline): Uncertain significance (1 of 4 stars; one submission).

Submission:

GeneDx
Classification: Uncertain significance. Last evaluated: 2026-03-18. Review status: criteria provided, single submitter. Criteria: GeneDx Variant Classification Process June 2021. Collection method: clinical testing. Allele origin: germline.
Comment: Not observed at significant frequency in large population cohorts (gnomAD); In silico analysis supports that this missense variant has a deleterious effect on protein structure/function; Has not been previously published as pathogenic or benign to our knowledge